The following is an entry in ClinVar:

NM_001999.4(FBN2):c.5353+11G>A

Gene: FBN2 (fibrillin 2; minus strand). Cytogenetic location: 5q23.3.
Variant type: single nucleotide variant.
Coding change: c.5353+11G>A on transcript NM_001999.4 (MANE Select); 11 bases into the intron after coding-DNA position 5353, G replaced by A.
Molecular consequence: intron variant.
Genome position (GRCh38, 1-based): chr5:128,309,236, C>T on the plus strand (G>A on the coding strand, the complement: FBN2 is on the minus strand). VCF-style: chr5-128309236-C-T. GRCh37 (hg19) VCF-style: chr5-127644928-C-T.
Identifiers: ClinVar variation 137338 (VCV000137338.10), dbSNP rs572393472, ClinGen allele CA290883.

ClinVar aggregate classification (germline): Benign/Likely benign. Review status: criteria provided, multiple submitters, no conflicts (2 of 4 stars). 4 submissions from 4 submitters: Benign (2); Likely benign (2). Last evaluated 2026-04-02.

Conditions:
Connective tissue disorder. Also called: Connective tissue disease. Identifiers: MedGen C0009782, MONDO:0003900.
Congenital contractural arachnodactyly (CCA). Also called: BEALS SYNDROME; Beals-Hecht syndrome; Arthrogryposis, distal, type 9. Identifiers: Orphanet 115, MedGen C0220668, MONDO:0007363, OMIM 121050.

Allele frequency attached by ClinVar (database versions not stated): TOPMed 0.00002; gnomAD 0.00003 and 0.00005; gnomAD exomes 0.00007 and 0.00014; ExAC 0.00017; 1000 Genomes Project 30x 0.00031; 1000 Genomes Project 0.00040.
gnomAD v4.1: 117 of 1,613,842 alleles (0.0072%); highest among the groups gnomAD compares: South Asian, 0.085%; 1 homozygote.

Submissions (4):

Women's Health and Genetics/Laboratory Corporation of America, LabCorp
Classification: Likely benign. Last evaluated: 2026-04-02. Review status: criteria provided, single submitter. Criteria: LabCorp Variant Classification Summary - May 2015. Collection method: clinical testing. Allele origin: germline.

Labcorp Genetics (formerly Invitae), Labcorp
Classification: Benign for Congenital contractural arachnodactyly. Last evaluated: 2025-11-03. Review status: criteria provided, single submitter. Criteria: Invitae Variant Classification Sherloc (09022015). Collection method: clinical testing. Allele origin: germline.

Center for Human Genetics, Inc
Classification: Likely benign for Connective tissue disorder. Last evaluated: 2018-06-01. Review status: criteria provided, single submitter. Criteria: ACMG Guidelines, 2015. Collection method: clinical testing. Allele origin: germline. Affected: yes.

GeneDx
Classification: Benign. Last evaluated: 2014-05-18. Review status: criteria provided, single submitter. Criteria: GeneDx Variant Classification (06012015). Collection method: clinical testing. Allele origin: germline. Affected: yes.
Comment: This variant is considered likely benign or benign based on one or more of the following criteria: it is a conservative change, it occurs at a poorly conserved position in the protein, it is predicted to be benign by multiple in silico algorithms, and/or has population frequency not consistent with disease.